The following is an entry in ClinVar:

ClinVar aggregate classification (germline): Conflicting classifications of pathogenicity. Review status: criteria provided, conflicting classifications (1 of 4 stars). 2 submissions from 2 submitters: Uncertain significance (1); Likely benign (1). Last evaluated 2025-05-01.

Conditions:
Inborn genetic diseases. Identifiers: MedGen C0950123, MeSH D030342.

Allele frequency attached by ClinVar (database versions not stated): gnomAD exomes 0.00012; TOPMed 0.00014; ExAC 0.00015; gnomAD 0.00018; ESP Exome Variant Server 0.00023.
gnomAD v4.1: 207 of 1,613,998 alleles (0.013%); highest among the groups gnomAD compares: Non-Finnish European, 0.015%; no homozygotes.

Submissions (2):

CeGaT Center for Human Genetics Tuebingen
Classification: Likely benign. Last evaluated: 2025-05-01. Review status: criteria provided, single submitter. Criteria: CeGaT Center For Human Genetics Tuebingen Variant Classification Criteria Version 2. Collection method: clinical testing. Allele origin: germline. Affected: yes. Observed: 1 variant allele.
Comment: SRRM2: BS2

Ambry Genetics
Classification: Uncertain significance for Inborn genetic diseases. Last evaluated: 2021-09-17. Review status: criteria provided, single submitter. Criteria: Ambry Variant Classification Scheme 2023. Collection method: clinical testing. Allele origin: germline.

NM_016333.4(SRRM2):c.5236C>T (p.Arg1746Cys)

Gene: SRRM2 (serine/arginine repetitive matrix 2; plus strand). Cytogenetic location: 16p13.3.
Variant type: single nucleotide variant.
Coding change: c.5236C>T on transcript NM_016333.4 (MANE Select); coding-DNA position 5236, C replaced by T.
Protein change: p.Arg1746Cys; replaces arginine 1746 with cysteine.
Molecular consequence: missense variant.
Genome position (GRCh38, 1-based): chr16:2,765,764, C>T. VCF-style: chr16-2765764-C-T. GRCh37 (hg19) VCF-style: chr16-2815765-C-T.
Other names: short protein forms R1746C.
Identifiers: ClinVar variation 2248699 (VCV002248699.12), dbSNP rs150445530, ClinGen allele CA7848441.